The following is an entry in ClinVar:

NM_000548.5(TSC2):c.4444A>T (p.Ser1482Cys)

Gene: TSC2 (TSC complex subunit 2; plus strand). Cytogenetic location: 16p13.3.
Variant type: single nucleotide variant.
Coding change: c.4444A>T on transcript NM_000548.5 (MANE Select); coding-DNA position 4444, A replaced by T.
Protein change: p.Ser1482Cys; replaces serine 1482 with cysteine.
Molecular consequence: missense variant. On other transcripts: non-coding transcript variant (5).
Genome position (GRCh38, 1-based): chr16:2,084,666, A>T. VCF-style: chr16-2084666-A-T. GRCh37 (hg19) VCF-style: chr16-2134667-A-T.
Other names: c.2971A>T, p.Ser991Cys (NM_001406690.1); c.2968A>T, p.Ser990Cys (NM_001406691.1); c.2902A>T, p.Ser968Cys (NM_001406692.1, NM_001406693.1, NM_001406694.1); c.2899A>T, p.Ser967Cys (NM_001406695.1, NM_001406696.1, NM_001406697.1); c.2641A>T, p.Ser881Cys (NM_001406698.1); c.4315A>T, p.Ser1439Cys (NM_021055.3, NM_001370405.1); c.4243A>T, p.Ser1415Cys (NM_001077183.3); c.4375A>T, p.Ser1459Cys (NM_001114382.3); and 26 more; short protein forms S1366C, S1415C, S1422C, S1426C, S1458C, S967C, S1215C, S1216C.
Identifiers: ClinVar variation 2758274 (VCV002758274.3), dbSNP rs2544287909, ClinGen allele CA394302352.
Genomic context (GRCh38, chr16:2,084,666, plus strand): 5'-ACCATCTCCGACTCGGCCCCATCACGCAGGGGCAAGAGAGTAGAGAGGGACGCCTTAAAG[A>T]GCAGAGCCACAGCCTCCAATGCAGAGAAAGTGCCAGGCATCAACCCCAGGTGGGCCTCTT-3'
Protein context (NP_000539.2, residues 1472-1492): GKRVERDALK[Ser1482Cys]RATASNAEKV

ClinVar aggregate classification (germline): Uncertain significance (1 of 4 stars; one submission).

Conditions:
Tuberous sclerosis 2 (TSC2). Identifiers: Orphanet 805, MedGen C1860707, MONDO:0013199, OMIM 613254.

Submission:

Labcorp Genetics (formerly Invitae), Labcorp
Classification: Uncertain significance for Tuberous sclerosis 2. Last evaluated: 2023-09-05. Review status: criteria provided, single submitter. Criteria: Invitae Variant Classification Sherloc (09022015). Collection method: clinical testing. Allele origin: germline.
Comment: In summary, the available evidence is currently insufficient to determine the role of this variant in disease. Therefore, it has been classified as a Variant of Uncertain Significance. Advanced modeling of protein sequence and biophysical properties (such as structural, functional, and spatial information, amino acid conservation, physicochemical variation, residue mobility, and thermodynamic stability) performed at Invitae indicates that this missense variant is not expected to disrupt TSC2 protein function. This variant has not been reported in the literature in individuals affected with TSC2-related conditions. This variant is not present in population databases (gnomAD no frequency). This sequence change replaces serine, which is neutral and polar, with cysteine, which is neutral and slightly polar, at codon 1482 of the TSC2 protein (p.Ser1482Cys).